The following is an entry in ClinVar:

NM_000052.7(ATP7A):c.3554G>A (p.Arg1185Gln)

Gene: ATP7A (ATPase copper transporting alpha; plus strand). Cytogenetic location: Xq21.1.
Variant type: single nucleotide variant.
Coding change: c.3554G>A on transcript NM_000052.7 (MANE Select); coding-DNA position 3554, G replaced by A.
Protein change: p.Arg1185Gln; replaces arginine 1185 with glutamine.
Molecular consequence: missense variant. On other transcripts: non-coding transcript variant (1).
Genome position (GRCh38, 1-based): chrX:78,038,878, G>A. VCF-style: chrX-78038878-G-A. GRCh37 (hg19) VCF-style: chrX-77294376-G-A.
Other names: c.3320G>A, p.Arg1107Gln (NM_001282224.2); c.3554G>A (NM_000052.4); short protein forms R1107Q, R1185Q.
Identifiers: ClinVar variation 1565252 (VCV001565252.9), dbSNP rs782435305, ClinGen allele CA10459434.

ClinVar aggregate classification (germline): Conflicting classifications of pathogenicity. Review status: criteria provided, conflicting classifications (1 of 4 stars). 2 submissions from 2 submitters: Uncertain significance (1); Likely benign (1). Last evaluated 2026-07-29.

Conditions:
Inborn genetic diseases. Identifiers: MedGen C0950123, MeSH D030342.
Menkes kinky-hair syndrome (MNK). Also called: Menkes Disease; Copper transport disease; Classic Menkes Disease. Identifiers: Orphanet 565, MedGen C0022716, MONDO:0010651, OMIM 309400.
Cutis laxa, X-linked (OHS). Also called: EDS IX; Occipital horn syndrome. Identifiers: Orphanet 198, MedGen C0268353, MONDO:0010572, OMIM 304150.
X-linked distal spinal muscular atrophy type 3. Also called: ATP7A-Related Distal Motor Neuropathy; NEURONOPATHY, DISTAL HEREDITARY MOTOR, X-LINKED; NEUROPATHY, DISTAL HEREDITARY MOTOR, X-LINKED; SPINAL MUSCULAR ATROPHY, DISTAL, X-LINKED RECESSIVE. Identifiers: Orphanet 139557, MedGen C1845359, MONDO:0010338, OMIM 300489.

Allele frequency attached by ClinVar (database versions not stated): gnomAD exomes 0.00001 and below 0.00001; ExAC 0.00001.
gnomAD v4.1: 2 of 1,209,690 alleles (0.00017%); highest among the groups gnomAD compares: Non-Finnish European, 0.00022%; no homozygotes.

Submissions (2):

Ambry Genetics
Classification: Uncertain significance for Inborn genetic diseases. Last evaluated: 2026-07-29. Review status: criteria provided, single submitter. Criteria: Ambry Variant Classification Scheme 2023. Collection method: clinical testing. Allele origin: germline.
Comment: The c.3554G>A (p.R1185Q) alteration is located in exon 18 (coding exon 17) of the ATP7A gene. This alteration results from a G to A substitution at nucleotide position 3554, causing the arginine (R) at amino acid position 1185 to be replaced by a glutamine (Q). Based on data from gnomAD, the A allele has an overall frequency of <0.001% (1/183293) total alleles studied. The highest observed frequency was 0.001% (1/81861) of European (non-Finnish) alleles. Based on insufficient or conflicting evidence, the clinical significance of this alteration remains unclear.

Labcorp Genetics (formerly Invitae), Labcorp
Classification: Likely benign for X-linked distal spinal muscular atrophy type 3; Cutis laxa, X-linked; Menkes kinky-hair syndrome. Last evaluated: 2024-07-21. Review status: criteria provided, single submitter. Criteria: Invitae Variant Classification Sherloc (09022015). Collection method: clinical testing. Allele origin: germline.